The following is an entry in ClinVar:

NM_000540.3(RYR1):c.8098A>G (p.Met2700Val)

Gene: RYR1 (ryanodine receptor 1; plus strand). Cytogenetic location: 19q13.2.
Variant type: single nucleotide variant.
Coding change: c.8098A>G on transcript NM_000540.3 (MANE Select); coding-DNA position 8098, A replaced by G.
Protein change: p.Met2700Val; replaces methionine 2700 with valine.
Molecular consequence: missense variant.
Genome position (GRCh38, 1-based): chr19:38,504,778, A>G. VCF-style: chr19-38504778-A-G. GRCh37 (hg19) VCF-style: chr19-38995418-A-G.
Other names: c.8098A>G, p.Met2700Val (NM_001042723.2); short protein forms M2700V.
Identifiers: ClinVar variation 5028637 (VCV005028637.1).

ClinVar aggregate classification (germline): Uncertain significance (1 of 4 stars; one submission).

Conditions:
Inborn genetic diseases. Identifiers: MedGen C0950123, MeSH D030342.

Submission:

Ambry Genetics
Classification: Uncertain significance for Inborn genetic diseases. Last evaluated: 2026-07-07. Review status: criteria provided, single submitter. Criteria: Ambry Variant Classification Scheme 2023. Collection method: clinical testing. Allele origin: germline.
Comment: The p.M2700V variant (also known as c.8098A>G), located in coding exon 51 of the RYR1 gene, results from an A to G substitution at nucleotide position 8098. The methionine at codon 2700 is replaced by valine, an amino acid with highly similar properties. This amino acid position is conserved. In addition, the in silico prediction for this alteration is inconclusive. Based on the available evidence, the clinical significance of this variant remains unclear.